The following is an entry in ClinVar:

NM_018993.4(RIN2):c.1836G>A (p.Lys612=)

Gene: RIN2 (Ras and Rab interactor 2; plus strand). Cytogenetic location: 20p11.23.
Variant type: single nucleotide variant.
Coding change: c.1836G>A on transcript NM_018993.4 (MANE Select); coding-DNA position 1836, G replaced by A.
Protein change: p.Lys612=; no amino-acid change (lysine 612 retained).
Molecular consequence: synonymous variant.
Genome position (GRCh38, 1-based): chr20:19,990,079, G>A. VCF-style: chr20-19990079-G-A. GRCh37 (hg19) VCF-style: chr20-19970723-G-A.
Other names: c.1983G>A, p.Lys661= (NM_001242581.2); c.1218G>A, p.Lys406= (NM_001378238.1).
Identifiers: ClinVar variation 4873587 (VCV004873587.2).

ClinVar aggregate classification (germline): Likely benign (1 of 4 stars; one submission).

Submission:

CeGaT Center for Human Genetics Tuebingen
Classification: Likely benign. Last evaluated: 2026-05-01. Review status: criteria provided, single submitter. Criteria: CeGaT Center For Human Genetics Tuebingen Variant Classification Criteria Version 2. Collection method: clinical testing. Allele origin: germline. Affected: yes. Observed: 2 variant alleles.
Comment: RIN2: PM2:Supporting, BP4, BP7